The following is an entry in ClinVar:

ClinVar aggregate classification (germline): Uncertain significance (1 of 4 stars; one submission).

gnomAD v4.1: 1 of 1,612,960 alleles (0.000062%); highest among the groups gnomAD compares: East Asian, 0.0022%; no homozygotes.

Submission:

Labcorp Genetics (formerly Invitae), Labcorp
Classification: Uncertain significance. Last evaluated: 2022-02-24. Review status: criteria provided, single submitter. Criteria: Invitae Variant Classification Sherloc (09022015). Collection method: clinical testing. Allele origin: germline.
Comment: ClinVar contains an entry for this variant (Variation ID: 970227). This variant has not been reported in the literature in individuals affected with PROM1-related conditions. This variant is not present in population databases (gnomAD no frequency). This sequence change replaces glycine, which is neutral and non-polar, with serine, which is neutral and polar, at codon 437 of the PROM1 protein (p.Gly437Ser). Algorithms developed to predict the effect of missense changes on protein structure and function output the following: SIFT: "Tolerated"; PolyPhen-2: "Possibly Damaging"; Align-GVGD: "Class C0". The serine amino acid residue is found in multiple mammalian species, which suggests that this missense change does not adversely affect protein function. In summary, the available evidence is currently insufficient to determine the role of this variant in disease. Therefore, it has been classified as a Variant of Uncertain Significance.

NM_006017.3(PROM1):c.1309G>A (p.Gly437Ser)

Gene: PROM1 (prominin 1; minus strand). Cytogenetic location: 4p15.32.
Variant type: single nucleotide variant.
Coding change: c.1309G>A on transcript NM_006017.3 (MANE Select); coding-DNA position 1309, G replaced by A.
Protein change: p.Gly437Ser; replaces glycine 437 with serine.
Molecular consequence: missense variant.
Genome position (GRCh38, 1-based): chr4:16,006,683, C>T on the plus strand (G>A on the coding strand, the complement: PROM1 is on the minus strand). VCF-style: chr4-16006683-C-T. GRCh37 (hg19) VCF-style: chr4-16008306-C-T.
Other names: c.1282G>A, p.Gly428Ser (NM_001145847.2, NM_001145848.2, NM_001145851.2 and 4 more transcripts); c.1309G>A, p.Gly437Ser (NM_001145849.2, NM_001145850.2); short protein forms G428S, G437S.
Identifiers: ClinVar variation 970227 (VCV000970227.10), dbSNP rs1725586921, ClinGen allele CA356435651.